The following is an entry in ClinVar:

NM_005216.5(DDOST):c.895G>A (p.Val299Met)

Gene: DDOST (dolichyl-diphosphooligosaccharide--protein glycosyltransferase non-catalytic subunit; minus strand). Cytogenetic location: 1p36.12.
Variant type: single nucleotide variant.
Coding change: c.895G>A on transcript NM_005216.5 (MANE Select); coding-DNA position 895, G replaced by A.
Protein change: p.Val299Met; replaces valine 299 with methionine.
Molecular consequence: missense variant.
Genome position (GRCh38, 1-based): chr1:20,653,674, C>T on the plus strand (G>A on the coding strand, the complement: DDOST is on the minus strand). VCF-style: chr1-20653674-C-T. GRCh37 (hg19) VCF-style: chr1-20980167-C-T.
Other names: short protein forms V299M.
Identifiers: ClinVar variation 3625374 (VCV003625374.2).

ClinVar aggregate classification (germline): Uncertain significance (1 of 4 stars; one submission).

Conditions:
Congenital disorder of glycosylation type Ir (CDG1R). Also called: DDOST-congenital disorder of glycosylation. Identifiers: Orphanet 300536, MedGen C3281084, MONDO:0013789, OMIM 614507.

gnomAD v4.1: 35 of 1,613,710 alleles (0.0022%); highest among the groups gnomAD compares: Non-Finnish European, 0.0027%; no homozygotes.

Submission:

Labcorp Genetics (formerly Invitae), Labcorp
Classification: Uncertain significance for Congenital disorder of glycosylation type Ir. Last evaluated: 2025-09-15. Review status: criteria provided, single submitter. Criteria: Invitae Variant Classification Sherloc (09022015). Collection method: clinical testing. Allele origin: germline.
Comment: This sequence change replaces valine, which is neutral and non-polar, with methionine, which is neutral and non-polar, at codon 316 of the DDOST protein (p.Val316Met). This variant is present in population databases (rs200857992, gnomAD 0.002%). This variant has not been reported in the literature in individuals affected with DDOST-related conditions. ClinVar contains an entry for this variant (Variation ID: 3625374). Invitae Evidence Modeling of protein sequence and biophysical properties (such as structural, functional, and spatial information, amino acid conservation, physicochemical variation, residue mobility, and thermodynamic stability) has been performed for this missense variant. However, the output from this modeling did not meet the statistical confidence thresholds required to predict the impact of this variant on DDOST protein function. In summary, the available evidence is currently insufficient to determine the role of this variant in disease. Therefore, it has been classified as a Variant of Uncertain Significance.